The following is an entry in ClinVar:

NM_147686.4(TRAF3IP2):c.169T>C (p.Ser57Pro)

Genes: TRAF3IP2 (TRAF3 interacting protein 2; minus strand), TRAF3IP2-AS1 (TRAF3IP2 antisense RNA 1; plus strand). Cytogenetic location: 6q21.
Variant type: single nucleotide variant.
Coding change: c.169T>C on transcript NM_147686.4 (MANE Select); coding-DNA position 169, T replaced by C.
Protein change: p.Ser57Pro; replaces serine 57 with proline.
Molecular consequence: missense variant.
Genome position (GRCh38, 1-based): chr6:111,591,918, A>G on the plus strand (T>C on the coding strand, the complement: TRAF3IP2 is on the minus strand). VCF-style: chr6-111591918-A-G. GRCh37 (hg19) VCF-style: chr6-111913121-A-G.
Other names: c.169T>C, p.Ser57Pro (NM_001164281.3); c.196T>C, p.Ser66Pro (NM_147200.3); short protein forms S66P, S57P.
Identifiers: ClinVar variation 2066389 (VCV002066389.4), dbSNP rs754326983, ClinGen allele CA3963370.

ClinVar aggregate classification (germline): Uncertain significance (1 of 4 stars; one submission).

Conditions:
Candidiasis, familial, 8 (CANDF8). Identifiers: Orphanet 1334, MedGen C3714992, MONDO:0014230, OMIM 615527.

Allele frequency attached by ClinVar (database versions not stated): gnomAD 0.00002; TOPMed 0.00004; gnomAD exomes 0.00005; ExAC 0.00017.
gnomAD v4.1: 79 of 1,614,096 alleles (0.0049%); highest among the groups gnomAD compares: East Asian, 0.16%; no homozygotes.

Submission:

Labcorp Genetics (formerly Invitae), Labcorp
Classification: Uncertain significance for Candidiasis, familial, 8. Last evaluated: 2025-08-18. Review status: criteria provided, single submitter. Criteria: Invitae Variant Classification Sherloc (09022015). Collection method: clinical testing. Allele origin: germline.
Comment: This sequence change replaces serine, which is neutral and polar, with proline, which is neutral and non-polar, at codon 57 of the TRAF3IP2 protein (p.Ser57Pro). This variant is present in population databases (rs754326983, gnomAD 0.2%). This variant has not been reported in the literature in individuals affected with TRAF3IP2-related conditions. ClinVar contains an entry for this variant (Variation ID: 2066389). Invitae Evidence Modeling of protein sequence and biophysical properties (such as structural, functional, and spatial information, amino acid conservation, physicochemical variation, residue mobility, and thermodynamic stability) indicates that this missense variant is not expected to disrupt TRAF3IP2 protein function with a negative predictive value of 80%. In summary, the available evidence is currently insufficient to determine the role of this variant in disease. Therefore, it has been classified as a Variant of Uncertain Significance.